The following is an entry in ClinVar:

NM_000051.4(ATM):c.6371A>G (p.Tyr2124Cys)

Genes: ATM (ATM serine/threonine kinase; plus strand), C11orf65 (chromosome 11 open reading frame 65; minus strand). Cytogenetic location: 11q22.3.
Variant type: single nucleotide variant.
Coding change: c.6371A>G on transcript NM_000051.4 (MANE Select); coding-DNA position 6371, A replaced by G.
Protein change: p.Tyr2124Cys; replaces tyrosine 2124 with cysteine.
Molecular consequence: missense variant. On other transcripts: intron variant (2).
Genome position (GRCh38, 1-based): chr11:108,319,977, A>G. VCF-style: chr11-108319977-A-G. GRCh37 (hg19) VCF-style: chr11-108190704-A-G.
Other names: c.6371A>G, p.Tyr2124Cys (NM_001351834.2); c.641-10906T>C (NM_001330368.2); c.*39-10906T>C (NM_001351110.2); short protein forms Y2124C.
Identifiers: ClinVar variation 2833370 (VCV002833370.3), dbSNP rs2547145215, ClinGen allele CA382553243.

ClinVar aggregate classification (germline): Uncertain significance (1 of 4 stars; one submission).

Conditions:
Ataxia-telangiectasia syndrome (AT). Also called: LOUIS-BAR SYNDROME; Cerebello-oculocutaneous telangiectasia; Immunodeficiency with ataxia telangiectasia; Ataxia telangiectasia (A-T); Ataxia-telangiectasia, complementation group D; AT, COMPLEMENTATION GROUP C. Identifiers: Orphanet 100, MedGen C0004135, MONDO:0008840, OMIM 208900.

Submission:

Labcorp Genetics (formerly Invitae), Labcorp
Classification: Uncertain significance for Ataxia-telangiectasia syndrome. Last evaluated: 2023-02-01. Review status: criteria provided, single submitter. Criteria: Invitae Variant Classification Sherloc (09022015). Collection method: clinical testing. Allele origin: germline.
Comment: This sequence change replaces tyrosine, which is neutral and polar, with cysteine, which is neutral and slightly polar, at codon 2124 of the ATM protein (p.Tyr2124Cys). This variant is not present in population databases (gnomAD no frequency). This variant has not been reported in the literature in individuals affected with ATM-related conditions. Algorithms developed to predict the effect of missense changes on protein structure and function (SIFT, PolyPhen-2, Align-GVGD) all suggest that this variant is likely to be disruptive. In summary, the available evidence is currently insufficient to determine the role of this variant in disease. Therefore, it has been classified as a Variant of Uncertain Significance.